The following is an entry in ClinVar:

NM_021831.6(AGBL5):c.1058G>A (p.Ser353Asn)

Gene: AGBL5 (AGBL carboxypeptidase 5; plus strand). Cytogenetic location: 2p23.3.
Variant type: single nucleotide variant.
Coding change: c.1058G>A on transcript NM_021831.6 (MANE Select); coding-DNA position 1058, G replaced by A.
Protein change: p.Ser353Asn; replaces serine 353 with asparagine.
Molecular consequence: missense variant. On other transcripts: non-coding transcript variant (2).
Genome position (GRCh38, 1-based): chr2:27,055,831, G>A. VCF-style: chr2-27055831-G-A. GRCh37 (hg19) VCF-style: chr2-27278699-G-A.
Other names: c.1058G>A, p.Ser353Asn (NM_001035507.3); short protein forms S353N.
Identifiers: ClinVar variation 1019588 (VCV001019588.9), dbSNP rs1668397798, ClinGen allele CA346178944.

ClinVar aggregate classification (germline): Uncertain significance (1 of 4 stars; one submission).

Submission:

Labcorp Genetics (formerly Invitae), Labcorp
Classification: Uncertain significance. Last evaluated: 2020-01-16. Review status: criteria provided, single submitter. Criteria: Invitae Variant Classification Sherloc (09022015). Collection method: clinical testing. Allele origin: germline.
Comment: In summary, the available evidence is currently insufficient to determine the role of this variant in disease. Therefore, it has been classified as a Variant of Uncertain Significance. Algorithms developed to predict the effect of missense changes on protein structure and function output the following: SIFT: "Deleterious"; PolyPhen-2: "Benign"; Align-GVGD: "Class C0". The asparagine amino acid residue is found in multiple mammalian species, suggesting that this missense change does not adversely affect protein function. These predictions have not been confirmed by published functional studies and their clinical significance is uncertain. This variant has not been reported in the literature in individuals with AGBL5-related conditions. This variant is not present in population databases (ExAC no frequency). This sequence change replaces serine with asparagine at codon 353 of the AGBL5 protein (p.Ser353Asn). The serine residue is moderately conserved and there is a small physicochemical difference between serine and asparagine.